The following is an entry in ClinVar:

ClinVar aggregate classification (germline): Uncertain significance (1 of 4 stars; one submission).

Conditions:
Congenital muscular hypertrophy-cerebral syndrome (CDLS2). Also called: SMC1A-Related Cornelia de Lange Syndrome; Cornelia de Lange syndrome 2. Identifiers: Orphanet 199, MedGen C1802395, MONDO:0010370, OMIM 300590.

Submission:

Labcorp Genetics (formerly Invitae), Labcorp
Classification: Uncertain significance for Congenital muscular hypertrophy-cerebral syndrome. Last evaluated: 2020-04-01. Review status: criteria provided, single submitter. Criteria: Invitae Variant Classification Sherloc (09022015). Collection method: clinical testing. Allele origin: germline.
Comment: This sequence change falls in intron 9 of the SMC1A gene. It does not directly change the encoded amino acid sequence of the SMC1A protein. This variant is not present in population databases (ExAC no frequency). This variant has not been reported in the literature in individuals with SMC1A-related conditions. Algorithms developed to predict the effect of sequence changes on RNA splicing suggest that this variant may disrupt the consensus splice site, but this prediction has not been confirmed by published transcriptional studies. In summary, the available evidence is currently insufficient to determine the role of this variant in disease. Therefore, it has been classified as a Variant of Uncertain Significance.

NM_006306.4(SMC1A):c.1546-10C>G

Gene: SMC1A (structural maintenance of chromosomes 1A; minus strand). Cytogenetic location: Xp11.22.
Variant type: single nucleotide variant.
Coding change: c.1546-10C>G on transcript NM_006306.4 (MANE Select); 10 bases into the intron before coding-DNA position 1546, C replaced by G.
Molecular consequence: intron variant.
Genome position (GRCh38, 1-based): chrX:53,405,966, G>C on the plus strand (C>G on the coding strand, the complement: SMC1A is on the minus strand). VCF-style: chrX-53405966-G-C. GRCh37 (hg19) VCF-style: chrX-53432898-G-C.
Other names: c.1480-10C>G (NM_001281463.1).
Identifiers: ClinVar variation 1061940 (VCV001061940.9), dbSNP rs2146600160, ClinGen allele CA2499226785.